The following is an entry in ClinVar:

ClinVar aggregate classification (germline): Benign/Likely benign. Review status: criteria provided, multiple submitters, no conflicts (2 of 4 stars). 6 submissions from 6 submitters: Benign (4); Likely benign (2). Last evaluated 2026-01-01.

Conditions:
Sotos syndrome (SOTOS). Also called: CHROMOSOME 5q35 DELETION SYNDROME; CEREBRAL GIGANTISM; Sotos' syndrome; Distinctive facial appearance, overgrowth in childhood, and learning disabilities or delayed development; SOTOS SYNDROME 1. Identifiers: Orphanet 821, MedGen C0175695, MONDO:0019349, OMIM 117550.

Allele frequency attached by ClinVar (database versions not stated): gnomAD 0.00001; TOPMed 0.00003; 1000 Genomes Project 30x 0.00016; 1000 Genomes Project 0.00020; gnomAD exomes 0.00022; ExAC 0.00032.

Submissions (6):

CeGaT Center for Human Genetics Tuebingen
Classification: Likely benign. Last evaluated: 2026-01-01. Review status: criteria provided, single submitter. Criteria: CeGaT Center For Human Genetics Tuebingen Variant Classification Criteria Version 2. Collection method: clinical testing. Allele origin: germline. Affected: yes. Observed: 2 variant alleles.
Comment: NSD1: BP4, BS1

Labcorp Genetics (formerly Invitae), Labcorp
Classification: Benign. Last evaluated: 2025-11-05. Review status: criteria provided, single submitter. Criteria: Invitae Variant Classification Sherloc (09022015). Collection method: clinical testing. Allele origin: germline.

Fulgent Genetics
Classification: Likely benign for Sotos syndrome. Last evaluated: 2021-09-02. Review status: criteria provided, single submitter. Criteria: ACMG Guidelines, 2015. Collection method: clinical testing. Allele origin: unknown.

Genome-Nilou Lab
Classification: Benign for Sotos syndrome. Last evaluated: 2021-07-15. Review status: criteria provided, single submitter. Criteria: ACMG Guidelines, 2015. Collection method: clinical testing. Allele origin: germline. Affected: no.

GeneDx
Classification: Benign. Last evaluated: 2020-09-08. Review status: criteria provided, single submitter. Criteria: GeneDx Variant Classification Process June 2021. Collection method: clinical testing. Allele origin: germline. Affected: yes.
Comment: This variant is associated with the following publications: (PMID: 14571271)

Genetic Services Laboratory, University of Chicago
Classification: Benign. Last evaluated: 2013-02-08. Review status: criteria provided, single submitter. Criteria: ACMG Guidelines, 2007. Collection method: clinical testing. Allele origin: germline. Inheritance: Autosomal dominant inheritance.

NM_022455.5(NSD1):c.4883T>C (p.Met1628Thr)

Gene: NSD1 (nuclear receptor binding SET domain protein 1; plus strand). Cytogenetic location: 5q35.3.
Variant type: single nucleotide variant.
Coding change: c.4883T>C on transcript NM_022455.5 (MANE Select); coding-DNA position 4883, T replaced by C.
Protein change: p.Met1628Thr; replaces methionine 1628 with threonine.
Molecular consequence: missense variant.
Genome position (GRCh38, 1-based): chr5:177,257,068, T>C. VCF-style: chr5-177257068-T-C. GRCh37 (hg19) VCF-style: chr5-176684069-T-C.
Other names: c.4010T>C, p.Met1337Thr (NM_001365684.2, NM_001409308.1, NM_001409309.1 and 1 more transcripts); c.4883T>C, p.Met1628Thr (NM_001409301.1, NM_001409302.1, NM_001409303.1); c.4463T>C, p.Met1488Thr (NM_001409304.1); c.4130T>C, p.Met1377Thr (NM_001409305.1); c.4121T>C, p.Met1374Thr (NM_001409306.1, NM_001409307.1); short protein forms M1628T, M1359T, M1374T, M1337T, M1377T, M1488T.
Identifiers: ClinVar variation 159349 (VCV000159349.40), dbSNP rs530920626, ClinGen allele CA172834.